The following is an entry in ClinVar:

NM_005633.4(SOS1):c.2571G>C (p.Glu857Asp)

Gene: SOS1 (SOS Ras/Rac guanine nucleotide exchange factor 1; minus strand). Cytogenetic location: 2p22.1.
Variant type: single nucleotide variant.
Coding change: c.2571G>C on transcript NM_005633.4 (MANE Select); coding-DNA position 2571, G replaced by C.
Protein change: p.Glu857Asp; replaces glutamic acid 857 with aspartic acid.
Molecular consequence: missense variant.
Genome position (GRCh38, 1-based): chr2:39,007,133, C>G on the plus strand (G>C on the coding strand, the complement: SOS1 is on the minus strand). VCF-style: chr2-39007133-C-G. GRCh37 (hg19) VCF-style: chr2-39234274-C-G.
Other names: c.2550G>C, p.Glu850Asp (NM_001382394.1); c.2571G>C, p.Glu857Asp (NM_001382395.1); short protein forms E857D, E850D.
Identifiers: ClinVar variation 40707 (VCV000040707.10), dbSNP rs757460662, ClinGen allele CA1624380.

ClinVar aggregate classification (germline): Conflicting classifications of pathogenicity. Review status: criteria provided, conflicting classifications (1 of 4 stars). 3 submissions from 3 submitters: Uncertain significance (2); Likely benign (1). Last evaluated 2026-02-03.

Conditions:
Cardiovascular phenotype. Identifiers: MedGen CN230736.
RASopathy. Also called: rasopathies; Noonan spectrum disorder. Identifiers: Orphanet 536391, MedGen C5555857, MONDO:0021060.

Allele frequency attached by ClinVar (database versions not stated): ExAC 0.00002; gnomAD exomes 0.00002 and 0.00004; TOPMed 0.00002.
gnomAD v4.1: 9 of 1,604,850 alleles (0.00056%); highest among the groups gnomAD compares: Admixed American, 0.015%; no homozygotes.

Submissions (3):

Labcorp Genetics (formerly Invitae), Labcorp
Classification: Likely benign for RASopathy. Last evaluated: 2026-02-03. Review status: criteria provided, single submitter. Criteria: Invitae Variant Classification Sherloc (09022015). Collection method: clinical testing. Allele origin: germline.

GeneDx
Classification: Uncertain significance. Last evaluated: 2023-03-13. Review status: criteria provided, single submitter. Criteria: GeneDx Variant Classification Process June 2021. Collection method: clinical testing. Allele origin: germline. Affected: yes.
Comment: Missense variants in this gene are often considered pathogenic (HGMD); In silico analysis supports that this missense variant has a deleterious effect on protein structure/function; Has not been previously published as pathogenic or benign to our knowledge; This variant is associated with the following publications: (PMID: 29493581)

Ambry Genetics
Classification: Uncertain significance for Cardiovascular phenotype. Last evaluated: 2023-01-19. Review status: criteria provided, single submitter. Criteria: Ambry Variant Classification Scheme 2023. Collection method: clinical testing. Allele origin: germline.
Comment: The p.E857D variant (also known as c.2571G>C), located in coding exon 16 of the SOS1 gene, results from a G to C substitution at nucleotide position 2571. The glutamic acid at codon 857 is replaced by aspartic acid, an amino acid with highly similar properties. This amino acid position is conserved. In addition, this alteration is predicted to be tolerated by in silico analysis. Since supporting evidence is limited at this time, the clinical significance of this alteration remains unclear.